The following is an entry in ClinVar:

NM_000075.4(CDK4):c.823A>C (p.Met275Leu)

Genes: CDK4 (cyclin dependent kinase 4; minus strand), TSPAN31 (tetraspanin 31; plus strand). Cytogenetic location: 12q14.1.
Variant type: single nucleotide variant.
Coding change: c.823A>C on transcript NM_000075.4 (MANE Select); coding-DNA position 823, A replaced by C.
Protein change: p.Met275Leu; replaces methionine 275 with leucine.
Molecular consequence: missense variant. On other transcripts: 3 prime UTR variant (3).
Genome position (GRCh38, 1-based): chr12:57,748,614, T>G on the plus strand (A>C on the coding strand, the complement: CDK4 is on the minus strand). VCF-style: chr12-57748614-T-G. GRCh37 (hg19) VCF-style: chr12-58142397-T-G.
Other names: c.*1324T>G (NM_001330168.2, NM_001330169.2, NM_005981.5); c.823A>C (NM_000075.3); short protein forms M275L.
Identifiers: ClinVar variation 1995584 (VCV001995584.5), dbSNP rs587781723, ClinGen allele CA385542653.

ClinVar aggregate classification (germline): Uncertain significance. Review status: criteria provided, multiple submitters, no conflicts (2 of 4 stars). 2 submissions from 2 submitters: Uncertain significance (2). Last evaluated 2025-05-12.

Conditions:
Familial melanoma. Also called: Hereditary melanoma; Hereditary cutaneous melanoma. Identifiers: Orphanet 618, MedGen C1512419, MONDO:0018961.
Hereditary cancer-predisposing syndrome. Also called: Neoplastic Syndromes, Hereditary; Hereditary neoplastic syndrome; Tumor predisposition; Hereditary Cancer Syndrome. Identifiers: Orphanet 140162, MedGen C0027672, MeSH D009386, MONDO:0015356.

Submissions (2):

Ambry Genetics
Classification: Uncertain significance for Hereditary cancer-predisposing syndrome. Last evaluated: 2025-05-12. Review status: criteria provided, single submitter. Criteria: Ambry Variant Classification Scheme 2023. Collection method: clinical testing. Allele origin: germline.
Comment: The p.M275L variant (also known as c.823A>C), located in coding exon 7 of the CDK4 gene, results from an A to C substitution at nucleotide position 823. The methionine at codon 275 is replaced by leucine, an amino acid with highly similar properties. This amino acid position is highly conserved in available vertebrate species. In addition, the in silico prediction for this alteration is inconclusive. Based on the available evidence, the clinical significance of this variant remains unclear.

Labcorp Genetics (formerly Invitae), Labcorp
Classification: Uncertain significance for Familial melanoma. Last evaluated: 2021-11-25. Review status: criteria provided, single submitter. Criteria: Invitae Variant Classification Sherloc (09022015). Collection method: clinical testing. Allele origin: germline.
Comment: In summary, the available evidence is currently insufficient to determine the role of this variant in disease. Therefore, it has been classified as a Variant of Uncertain Significance. Advanced modeling of protein sequence and biophysical properties (such as structural, functional, and spatial information, amino acid conservation, physicochemical variation, residue mobility, and thermodynamic stability) performed at Invitae indicates that this missense variant is not expected to disrupt CDK4 protein function. This variant has not been reported in the literature in individuals affected with CDK4-related conditions. This variant is not present in population databases (gnomAD no frequency). This sequence change replaces methionine, which is neutral and non-polar, with leucine, which is neutral and non-polar, at codon 275 of the CDK4 protein (p.Met275Leu).